The following is an entry in ClinVar:

ClinVar aggregate classification (germline): Uncertain significance (1 of 4 stars; one submission).

Conditions:
Charcot-Marie-Tooth disease type 2. Also called: Charcot-Marie-Tooth type 2. Identifiers: Orphanet 64746, MedGen C0270914, MONDO:0018993.

gnomAD v4.1: 1 of 1,612,228 alleles (0.000062%); highest among the groups gnomAD compares: African/African-American, 0.0013%; no homozygotes.

Submission:

Labcorp Genetics (formerly Invitae), Labcorp
Classification: Uncertain significance for Charcot-Marie-Tooth disease type 2. Last evaluated: 2024-02-05. Review status: criteria provided, single submitter. Criteria: Invitae Variant Classification Sherloc (09022015). Collection method: clinical testing. Allele origin: germline.
Comment: This sequence change falls in intron 30 of the KIF1B gene. It does not directly change the encoded amino acid sequence of the KIF1B protein. It affects a nucleotide within the consensus splice site. This variant is present in population databases (no rsID available, gnomAD 0.01%). This variant has not been reported in the literature in individuals affected with KIF1B-related conditions. Variants that disrupt the consensus splice site are a relatively common cause of aberrant splicing (PMID: 17576681, 9536098). Algorithms developed to predict the effect of sequence changes on RNA splicing suggest that this variant may disrupt the consensus splice site. In summary, the available evidence is currently insufficient to determine the role of this variant in disease. Therefore, it has been classified as a Variant of Uncertain Significance.

Literature cited by the submitters: PubMed 17576681; PubMed 9536098.

NM_001365951.3(KIF1B):c.3513+5G>A

Gene: KIF1B (kinesin family member 1B; plus strand). Cytogenetic location: 1p36.22.
Variant type: single nucleotide variant.
Coding change: c.3513+5G>A on transcript NM_001365951.3 (MANE Select); 5 bases into the intron after coding-DNA position 3513, G replaced by A.
Molecular consequence: intron variant.
Genome position (GRCh38, 1-based): chr1:10,339,864, G>A. VCF-style: chr1-10339864-G-A. GRCh37 (hg19) VCF-style: chr1-10399922-G-A.
Other names: c.3375+5G>A (NM_015074.3); c.3513+5G>A (NM_001365952.1).
Identifiers: ClinVar variation 3638999 (VCV003638999.2).